The following is an entry in ClinVar:

ClinVar aggregate classification (germline): Uncertain significance (1 of 4 stars; one submission).

Allele frequency attached by ClinVar (database versions not stated): gnomAD exomes below 0.00001.
gnomAD v4.1: 1 of 1,211,916 alleles (0.000083%); highest among the groups gnomAD compares: Non-Finnish European, 0.00011%; no homozygotes.

Submission:

Labcorp Genetics (formerly Invitae), Labcorp
Classification: Uncertain significance. Last evaluated: 2024-12-02. Review status: criteria provided, single submitter. Criteria: Invitae Variant Classification Sherloc (09022015). Collection method: clinical testing. Allele origin: germline.
Comment: This sequence change replaces glycine, which is neutral and non-polar, with aspartic acid, which is acidic and polar, at codon 1266 of the NEXMIF protein (p.Gly1266Asp). This variant is not present in population databases (gnomAD no frequency). This variant has not been reported in the literature in individuals affected with NEXMIF-related conditions. ClinVar contains an entry for this variant (Variation ID: 1358517). An algorithm developed to predict the effect of missense changes on protein structure and function (PolyPhen-2) suggests that this variant is likely to be tolerated. In summary, the available evidence is currently insufficient to determine the role of this variant in disease. Therefore, it has been classified as a Variant of Uncertain Significance.

NM_001008537.3(NEXMIF):c.3797G>A (p.Gly1266Asp)

Gene: NEXMIF (neurite extension and migration factor; minus strand). Cytogenetic location: Xq13.3.
Variant type: single nucleotide variant.
Coding change: c.3797G>A on transcript NM_001008537.3 (MANE Select); coding-DNA position 3797, G replaced by A.
Protein change: p.Gly1266Asp; replaces glycine 1266 with aspartic acid.
Molecular consequence: missense variant.
Genome position (GRCh38, 1-based): chrX:74,740,760, C>T on the plus strand (G>A on the coding strand, the complement: NEXMIF is on the minus strand). VCF-style: chrX-74740760-C-T. GRCh37 (hg19) VCF-style: chrX-73960595-C-T.
Other names: short protein forms G1266D.
Identifiers: ClinVar variation 1358517 (VCV001358517.8), dbSNP rs2147439197, ClinGen allele CA413664730.